The following is an entry in ClinVar:

ClinVar aggregate classification (germline): Uncertain significance (1 of 4 stars; one submission).

Conditions:
Emery-Dreifuss muscular dystrophy 5, autosomal dominant (EDMD5). Also called: EMERY-DREIFUSS MUSCULAR DYSTROPHY 5. Identifiers: Orphanet 261, MedGen C2751805, MONDO:0013072, OMIM 612999.

gnomAD v4.1: 4 of 1,612,182 alleles (0.00025%); highest among the groups gnomAD compares: Non-Finnish European, 0.00025%; no homozygotes.

Submission:

Labcorp Genetics (formerly Invitae), Labcorp
Classification: Uncertain significance for Emery-Dreifuss muscular dystrophy 5, autosomal dominant. Last evaluated: 2025-08-20. Review status: criteria provided, single submitter. Criteria: Invitae Variant Classification Sherloc (09022015). Collection method: clinical testing. Allele origin: germline.
Comment: This sequence change replaces lysine, which is basic and polar, with glutamic acid, which is acidic and polar, at codon 300 of the SYNE2 protein (p.Lys300Glu). This variant is not present in population databases (gnomAD no frequency). This variant has not been reported in the literature in individuals affected with SYNE2-related conditions. An algorithm developed to predict the effect of missense changes on protein structure and function outputs the following: PolyPhen-2: "Benign". The glutamic acid amino acid residue is found in multiple mammalian species, which suggests that this missense change does not adversely affect protein function. In summary, the available evidence is currently insufficient to determine the role of this variant in disease. Therefore, it has been classified as a Variant of Uncertain Significance.

NM_182914.3(SYNE2):c.898A>G (p.Lys300Glu)

Gene: SYNE2 (spectrin repeat containing nuclear envelope protein 2; plus strand). Cytogenetic location: 14q23.2.
Variant type: single nucleotide variant.
Coding change: c.898A>G on transcript NM_182914.3 (MANE Select); coding-DNA position 898, A replaced by G.
Protein change: p.Lys300Glu; replaces lysine 300 with glutamic acid.
Molecular consequence: missense variant.
Genome position (GRCh38, 1-based): chr14:63,963,908, A>G. VCF-style: chr14-63963908-A-G. GRCh37 (hg19) VCF-style: chr14-64430626-A-G.
Other names: c.898A>G, p.Lys300Glu (NM_015180.6); short protein forms K300E.
Identifiers: ClinVar variation 4748644 (VCV004748644.1).